The following is an entry in ClinVar:

ClinVar aggregate classification (germline): Conflicting classifications of pathogenicity. Review status: criteria provided, conflicting classifications (1 of 4 stars). 4 submissions from 4 submitters: Uncertain significance (1); Likely benign (2). 1 of the submissions does not count toward it. Last evaluated 2026-01-28.

Conditions:
FANCE-related disorder. Also called: FANCE-related condition.
Fanconi anemia complementation group E (FANCE). Also called: FANCE-Related Fanconi Anemia. Identifiers: Orphanet 84, MedGen C3160739, MONDO:0010953, OMIM 600901.

Allele frequency attached by ClinVar (database versions not stated): ExAC 0.00006; gnomAD 0.00006 and 0.00007; TOPMed 0.00007; ESP Exome Variant Server 0.00008.

Submissions (4):

Labcorp Genetics (formerly Invitae), Labcorp
Classification: Likely benign for Fanconi anemia complementation group E. Last evaluated: 2026-01-28. Review status: criteria provided, single submitter. Criteria: Invitae Variant Classification Sherloc (09022015). Collection method: clinical testing. Allele origin: germline.

Blueprint Genetics
Classification: Likely benign. Last evaluated: 2024-03-05. Review status: criteria provided, single submitter. Criteria: ACMG Guidelines, 2015. Collection method: clinical testing. Allele origin: germline.

Illumina Laboratory Services, Illumina
Classification: Uncertain significance for Fanconi anemia complementation group E. Last evaluated: 2018-01-13. Review status: criteria provided, single submitter. Criteria: ICSL Variant Classification Criteria 13 December 2019. Collection method: clinical testing. Allele origin: germline.

PreventionGenetics, part of Exact Sciences
Classification: Likely benign for FANCE-related condition. Last evaluated: 2019-02-22. Review status: no assertion criteria provided. Collection method: clinical testing. Allele origin: germline. Not counted in ClinVar's aggregate classification.
Comment: This variant is classified as likely benign based on ACMG/AMP sequence variant interpretation guidelines (Richards et al. 2015 PMID: 25741868, with internal and published modifications).

NM_021922.3(FANCE):c.552A>C (p.Pro184=)

Gene: FANCE (FA complementation group E; plus strand). Cytogenetic location: 6p21.31.
Variant type: single nucleotide variant.
Coding change: c.552A>C on transcript NM_021922.3 (MANE Select); coding-DNA position 552, A replaced by C.
Protein change: p.Pro184=; no amino-acid change (proline 184 retained).
Molecular consequence: synonymous variant.
Genome position (GRCh38, 1-based): chr6:35,456,050, A>C. VCF-style: chr6-35456050-A-C. GRCh37 (hg19) VCF-style: chr6-35423827-A-C.
Identifiers: ClinVar variation 356446 (VCV000356446.19), dbSNP rs138182352, ClinGen allele CA3771438.